The following is an entry in ClinVar:

ClinVar aggregate classification (germline): Uncertain significance. Review status: criteria provided, multiple submitters, no conflicts (2 of 4 stars). 2 submissions from 2 submitters: Uncertain significance (2). Last evaluated 2025-11-17.

gnomAD v4.1: 17 of 1,614,100 alleles (0.0011%); highest among the groups gnomAD compares: East Asian, 0.0045%; no homozygotes.

Submissions (2):

Women's Health and Genetics/Laboratory Corporation of America, LabCorp
Classification: Uncertain significance. Last evaluated: 2025-11-17. Review status: criteria provided, single submitter. Criteria: LabCorp Variant Classification Summary - May 2015. Collection method: clinical testing. Allele origin: germline.
Comment: Variant summary: TRRAP c.10663G>A (p.Val3555Met) results in a conservative amino acid change in the encoded protein sequence. Algorithms developed to predict the effect of missense changes on protein structure and function are either unavailable or do not agree on the potential impact of this missense change. The variant allele was found at a frequency of 1.6e-05 in 251366 control chromosomes. The available data on variant occurrences in the general population are insufficient to allow any conclusion about variant significance. To our knowledge, no occurrence of c.10663G>A in individuals affected with TRRAP-related conditions and no experimental evidence demonstrating its impact on protein function have been reported. No submitters have cited clinical-significance assessments for this variant to ClinVar. Based on the evidence outlined above, the variant was classified as uncertain significance.

Labcorp Genetics (formerly Invitae), Labcorp
Classification: Uncertain significance. Last evaluated: 2025-07-22. Review status: criteria provided, single submitter. Criteria: Invitae Variant Classification Sherloc (09022015). Collection method: clinical testing. Allele origin: germline.
Comment: This sequence change replaces valine, which is neutral and non-polar, with methionine, which is neutral and non-polar, at codon 3555 of the TRRAP protein (p.Val3555Met). This variant is present in population databases (rs375963540, gnomAD 0.004%). This variant has not been reported in the literature in individuals affected with TRRAP-related conditions. Invitae Evidence Modeling of protein sequence and biophysical properties (such as structural, functional, and spatial information, amino acid conservation, physicochemical variation, residue mobility, and thermodynamic stability) indicates that this missense variant is not expected to disrupt TRRAP protein function with a negative predictive value of 80%. In summary, the available evidence is currently insufficient to determine the role of this variant in disease. Therefore, it has been classified as a Variant of Uncertain Significance.

NM_001375524.1(TRRAP):c.10792G>A (p.Val3598Met)

Gene: TRRAP (transformation/transcription domain associated protein; plus strand). Cytogenetic location: 7q22.1.
Variant type: single nucleotide variant.
Coding change: c.10792G>A on transcript NM_001375524.1 (MANE Select); coding-DNA position 10792, G replaced by A.
Protein change: p.Val3598Met; replaces valine 3598 with methionine.
Molecular consequence: missense variant.
Genome position (GRCh38, 1-based): chr7:99,008,415, G>A. VCF-style: chr7-99008415-G-A. GRCh37 (hg19) VCF-style: chr7-98606038-G-A.
Other names: c.10750G>A, p.Val3584Met (NM_001244580.2); c.10663G>A, p.Val3555Met (NM_003496.4); short protein forms V3555M, V3584M, V3598M.
Identifiers: ClinVar variation 4536663 (VCV004536663.2).